The following is an entry in ClinVar:

NM_005141.5(FGB):c.567C>T (p.Ser189=)

Gene: FGB (fibrinogen beta chain; plus strand). Cytogenetic location: 4q31.3.
Variant type: single nucleotide variant.
Coding change: c.567C>T on transcript NM_005141.5 (MANE Select); coding-DNA position 567, C replaced by T.
Protein change: p.Ser189=; no amino-acid change (serine 189 retained).
Molecular consequence: synonymous variant.
Genome position (GRCh38, 1-based): chr4:154,567,669, C>T. VCF-style: chr4-154567669-C-T. GRCh37 (hg19) VCF-style: chr4-155488821-C-T.
Other names: p.Ser189=; c.390C>T, p.Ser130= (NM_001184741.1); c.435C>T, p.Ser145= (NM_001382759.1); c.567C>T, p.Ser189= (NM_001382760.1, NM_001382761.1, NM_001382762.1 and 3 more transcripts).
Identifiers: ClinVar variation 259648 (VCV000259648.16), dbSNP rs6056, ClinGen allele CA3114571.

ClinVar aggregate classification (germline): Benign. Review status: criteria provided, multiple submitters, no conflicts (2 of 4 stars). 8 submissions from 8 submitters: Benign (8). Last evaluated 2026-05-11.

Conditions:
Congenital afibrinogenemia. Identifiers: Orphanet 335, Orphanet 98880, MedGen C2584774, MONDO:0008737, OMIM 202400.

Allele frequency attached by ClinVar (database versions not stated): gnomAD exomes 0.17219 and 0.17213; TOPMed 0.15355; gnomAD 0.15437 and 0.15358; ExAC 0.17450; 1000 Genomes Project 0.15335; 1000 Genomes Project 30x 0.14913; ESP Exome Variant Server 0.15631.
gnomAD v4.1: 275,072 of 1,611,650 alleles (17%); highest among the groups gnomAD compares: Middle Eastern, 22%; 24,554 homozygotes.

Submissions (8):

Women's Health and Genetics/Laboratory Corporation of America, LabCorp
Classification: Benign. Last evaluated: 2026-05-11. Review status: criteria provided, single submitter. Criteria: LabCorp Variant Classification Summary - May 2015. Collection method: clinical testing. Allele origin: germline.

Labcorp Genetics (formerly Invitae), Labcorp
Classification: Benign. Last evaluated: 2026-02-03. Review status: criteria provided, single submitter. Criteria: Invitae Variant Classification Sherloc (09022015). Collection method: clinical testing. Allele origin: germline.

Mayo Clinic Laboratories, Mayo Clinic
Classification: Benign. Last evaluated: 2023-08-23. Review status: criteria provided, single submitter. Criteria: ACMG Guidelines, 2015. Collection method: clinical testing. Allele origin: germline. Observed: 113 variant alleles.

Genome-Nilou Lab
Classification: Benign for Congenital afibrinogenemia. Last evaluated: 2021-08-10. Review status: criteria provided, single submitter. Criteria: ACMG Guidelines, 2015. Collection method: clinical testing. Allele origin: germline. Affected: no.

GeneDx
Classification: Benign. Last evaluated: 2018-11-12. Review status: criteria provided, single submitter. Criteria: GeneDx Variant Classification Process June 2021. Collection method: clinical testing. Allele origin: germline. Affected: yes.

Illumina Laboratory Services, Illumina
Classification: Benign for Congenital afibrinogenemia. Last evaluated: 2018-01-13. Review status: criteria provided, single submitter. Criteria: ICSL Variant Classification Criteria 13 December 2019. Collection method: clinical testing. Allele origin: germline.
Comment: This variant was observed in the ICSL laboratory as part of a predisposition screen in an ostensibly healthy population. It had not been previously curated by ICSL or reported in the Human Gene Mutation Database (HGMD: prior to June 1st, 2018), and was therefore a candidate for classification through an automated scoring system. Utilizing variant allele frequency, disease prevalence and penetrance estimates, and inheritance mode, an automated score was calculated to assess if this variant is too frequent to cause the disease. Based on the score and internal cut-off values, a variant classified as benign is not then subjected to further curation. The score for this variant resulted in a classification of benign for this disease.

Breakthrough Genomics
Classification: Benign. Review status: criteria provided, single submitter. Criteria: ACMG Guidelines, 2015. Collection method: not provided. Allele origin: germline. Inheritance: Autosomal recessive inheritance. Affected: yes.

PreventionGenetics, part of Exact Sciences
Classification: Benign. Review status: criteria provided, single submitter. Criteria: ACMG Guidelines, 2015. Collection method: clinical testing. Allele origin: germline.